The following is an entry in ClinVar:

NM_000797.4(DRD4):c.860A>C (p.Gln287Pro)

Gene: DRD4 (dopamine receptor D4; plus strand). Cytogenetic location: 11p15.5.
Variant type: single nucleotide variant.
Coding change: c.860A>C on transcript NM_000797.4 (MANE Select); coding-DNA position 860, A replaced by C.
Protein change: p.Gln287Pro; replaces glutamine 287 with proline.
Molecular consequence: missense variant.
Genome position (GRCh38, 1-based): chr11:640,109, A>C. VCF-style: chr11-640109-A-C. GRCh37 (hg19) VCF-style: chr11-640109-A-C.
Other names: c.860A>C (NM_000797.3); short protein forms Q287P.
Identifiers: ClinVar variation 1206183 (VCV001206183.6), dbSNP rs769762387, ClinGen allele CA5785848.

ClinVar aggregate classification (germline): Conflicting classifications of pathogenicity. Review status: criteria provided, conflicting classifications (1 of 4 stars). 5 submissions from 5 submitters: Uncertain significance (1); Likely benign (1). 3 of the submissions do not count toward it.

Conditions:
Hereditary attention deficit-hyperactivity disorder. Also called: HYPERACTIVITY OF CHILDHOOD. Identifiers: MedGen CN324066, MONDO:0100518, OMIM 143465.
DRD4-related disorder. Also called: DRD4-related condition.

Allele frequency attached by ClinVar (database versions not stated): gnomAD exomes 0.00174; gnomAD 0.11156.

Submissions (5):

Breakthrough Genomics
Classification: Likely benign. Review status: criteria provided, single submitter. Criteria: ACMG Guidelines, 2015. Collection method: not provided. Allele origin: germline. Inheritance: Autosomal dominant inheritance. Affected: yes.

Clinical Genomics, Uppaluri K&H Personalized Medicine Clinic
Classification: Uncertain significance for Hereditary attention deficit-hyperactivity disorder. Review status: criteria provided, single submitter. Criteria: K &amp; H Uppaluri Personalized Medicine Clinic Variant Classification &amp; Assertion Criteria_Updated V.1. Collection method: clinical testing. Allele origin: germline. Inheritance: Autosomal dominant inheritance. Affected: yes. Observed: 1 heterozygote.
Comment: Potent mutations in Dopamine receptor uptake gene leads to decreased brain uptake of neuromodulator dopamine and are strongly associated with onset of Attention deficit hyperactivity disorder. However more evidence is required to confer the association of this particular rs769762387 with Attention deficit hyperactivity disorder.

PreventionGenetics, part of Exact Sciences
Classification: Benign for DRD4-related condition. Last evaluated: 2020-07-03. Review status: no assertion criteria provided. Collection method: clinical testing. Allele origin: germline. Not counted in ClinVar's aggregate classification.
Comment: This variant is classified as benign based on ACMG/AMP sequence variant interpretation guidelines (Richards et al. 2015 PMID: 25741868, with internal and published modifications).

Clinical Genetics DNA and cytogenetics Diagnostics Lab, Erasmus MC, Erasmus Medical Center
Classification: Benign. Review status: no assertion criteria provided. Collection method: clinical testing. Allele origin: germline. Affected: yes. Study: VKGL Data-share Consensus. Not counted in ClinVar's aggregate classification.

Laboratory of Diagnostic Genome Analysis, Leiden University Medical Center (LUMC)
Classification: Likely benign. Review status: no assertion criteria provided. Collection method: clinical testing. Allele origin: germline. Affected: yes. Study: VKGL Data-share Consensus. Not counted in ClinVar's aggregate classification.

Literature cited by the submitters: PubMed 20644990 (cited by Clinical Genomics, Uppaluri K&H Personalized Medicine Clinic); PubMed 36211978 (cited by Clinical Genomics, Uppaluri K&H Personalized Medicine Clinic); PubMed 10654656 (cited by Clinical Genomics, Uppaluri K&H Personalized Medicine Clinic); PubMed 30099719 (cited by Clinical Genomics, Uppaluri K&H Personalized Medicine Clinic); PubMed 25262643 (cited by Clinical Genomics, Uppaluri K&H Personalized Medicine Clinic); PubMed 29781347 (cited by Clinical Genomics, Uppaluri K&H Personalized Medicine Clinic).